The following is an entry in ClinVar:

NM_201378.4(PLEC):c.71-11926A>T

Gene: PLEC (plectin; minus strand). Cytogenetic location: 8q24.3.
Variant type: single nucleotide variant.
Coding change: c.71-11926A>T on transcript NM_201378.4 (MANE Plus Clinical); 11926 bases into the intron before coding-DNA position 71, A replaced by T.
Molecular consequence: intron variant. On other transcripts: missense variant (1).
Genome position (GRCh38, 1-based): chr8:143,950,618, T>A on the plus strand (A>T on the coding strand, the complement: PLEC is on the minus strand). VCF-style: chr8-143950618-T-A. GRCh37 (hg19) VCF-style: chr8-145024786-T-A.
Other names: c.89A>T, p.Asp30Val (NM_201380.4); c.194-11926A>T (NM_001410941.1, NM_000445.5); c.46+3108A>T (NM_201379.3); short protein forms D30V.
Identifiers: ClinVar variation 1807233 (VCV001807233.2), dbSNP rs370566037, ClinGen allele CA4929027.
Genomic context (GRCh38, chr8:143,950,618, plus strand): 5'-CGCATGACCTGCAGGTTGGTGACGCCGGGCACATGGGGGTGCAAGCTGCGGGGCCGCCGG[T>A]CCTTCTTGGCCACCATCACGCCCTCGCGGAAGAGCACCTCATAGATGGCCCGCAGCTGGT-3'

ClinVar aggregate classification (germline): Uncertain significance. Review status: criteria provided, multiple submitters, no conflicts (2 of 4 stars). 2 submissions from 2 submitters: Uncertain significance (2). Last evaluated 2025-11-19.

Conditions:
PLEC-related disorder. Also called: PLEC-related condition; PLEC-related disorders.

Allele frequency attached by ClinVar (database versions not stated): gnomAD 0.00011; ESP Exome Variant Server 0.00016; 1000 Genomes Project 30x 0.00031; 1000 Genomes Project 0.00020; TOPMed 0.00023; ExAC 0.00022.
gnomAD v4.1: 368 of 1,603,244 alleles (0.023%); highest among the groups gnomAD compares: Admixed American, 0.043%; no homozygotes.

Submissions (2):

PreventionGenetics, part of Exact Sciences
Classification: Uncertain significance for PLEC-related condition. Last evaluated: 2025-11-19. Review status: criteria provided, single submitter. Criteria: ACMG Guidelines, 2015. Collection method: clinical testing. Allele origin: germline.
Comment: The PLEC c.89A>T variant is predicted to result in the amino acid substitution p.Asp30Val. To our knowledge, this variant has not been reported in the literature. This variant is reported in 0.034% of alleles in individuals of Latino descent in gnomAD. At this time, the clinical significance of this variant is uncertain due to the absence of conclusive functional and genetic evidence.

Athena Diagnostics
Classification: Uncertain significance. Last evaluated: 2021-11-22. Review status: criteria provided, single submitter. Criteria: Athena Diagnostics Criteria. Collection method: clinical testing. Allele origin: unknown.